The following is an entry in ClinVar:

NM_000535.7(PMS2):c.1728A>G (p.Thr576=)

Gene: PMS2 (PMS1 homolog 2, mismatch repair system component; minus strand). Cytogenetic location: 7p22.1.
Variant type: single nucleotide variant.
Coding change: c.1728A>G on transcript NM_000535.7 (MANE Select); coding-DNA position 1728, A replaced by G.
Protein change: p.Thr576=; no amino-acid change (threonine 576 retained).
Molecular consequence: synonymous variant. On other transcripts: non-coding transcript variant (1).
Genome position (GRCh38, 1-based): chr7:5,987,037, T>C on the plus strand (A>G on the coding strand, the complement: PMS2 is on the minus strand). VCF-style: chr7-5987037-T-C. GRCh37 (hg19) VCF-style: chr7-6026668-T-C.
Other names: c.1323A>G, p.Thr441= (NM_001322003.2, NM_001322004.2, NM_001322005.2 and 1 more transcripts); c.1572A>G, p.Thr524= (NM_001322006.2); c.1410A>G, p.Thr470= (NM_001322007.2, NM_001322008.2); c.1167A>G, p.Thr389= (NM_001322010.2); c.795A>G, p.Thr265= (NM_001322011.2, NM_001322012.2); c.1155A>G, p.Thr385= (NM_001322013.2); c.1728A>G, p.Thr576= (NM_001322014.2); c.1419A>G, p.Thr473= (NM_001322015.2).
Identifiers: ClinVar variation 484278 (VCV000484278.19), dbSNP rs754542046, ClinGen allele CA045422.

ClinVar aggregate classification (germline): Benign/Likely benign. Review status: criteria provided, multiple submitters, no conflicts (2 of 4 stars). 6 submissions from 6 submitters: Benign (1); Likely benign (5). Last evaluated 2026-08-01.

Conditions:
Hereditary nonpolyposis colorectal neoplasms. Identifiers: MedGen C0009405, MeSH D003123.
Hereditary cancer-predisposing syndrome. Also called: Hereditary neoplastic syndrome; Tumor predisposition; Neoplastic Syndromes, Hereditary; Hereditary Cancer Syndrome. Identifiers: Orphanet 140162, MedGen C0027672, MeSH D009386, MONDO:0015356.
Lynch syndrome 4 (LYNCH4). Also called: Colorectal cancer, hereditary nonpolyposis, type 4; Hereditary non-polyposis colorectal cancer, type 4. Identifiers: Orphanet 144, MedGen C1838333, MONDO:0013699, OMIM 614337. Disease mechanism: loss of function.

Allele frequency attached by ClinVar (database versions not stated): gnomAD exomes below 0.00001 and 0.00001; ExAC 0.00002.
gnomAD v4.1: 3 of 1,614,214 alleles (0.00019%); highest among the groups gnomAD compares: African/African-American, 0.0013%; no homozygotes.

Submissions (6):

CeGaT Center for Human Genetics Tuebingen
Classification: Likely benign. Last evaluated: 2026-08-01. Review status: criteria provided, single submitter. Criteria: CeGaT Center For Human Genetics Tuebingen Variant Classification Criteria Version 2. Collection method: clinical testing. Allele origin: germline. Affected: yes. Observed: 1 variant allele.
Comment: PMS2: BP4, BP7

Labcorp Genetics (formerly Invitae), Labcorp
Classification: Likely benign for Hereditary nonpolyposis colorectal neoplasms. Last evaluated: 2025-08-04. Review status: criteria provided, single submitter. Criteria: Invitae Variant Classification Sherloc (09022015). Collection method: clinical testing. Allele origin: germline.

Myriad Genetics, Inc.
Classification: Benign for Lynch syndrome 4. Last evaluated: 2025-01-31. Review status: criteria provided, single submitter. Criteria: Myriad Autosomal Dominant, Autosomal Recessive and X-Linked Classification Criteria (2023). Collection method: clinical testing. Allele origin: unknown.
Comment: This variant is considered benign. This variant is a silent/synonymous amino acid change and it is not expected to impact splicing.

Quest Diagnostics Nichols Institute San Juan Capistrano
Classification: Likely benign. Last evaluated: 2021-05-19. Review status: criteria provided, single submitter. Criteria: Quest Diagnostics criteria. Collection method: clinical testing. Allele origin: unknown.

Color Diagnostics, LLC DBA Color Health
Classification: Likely benign for Hereditary cancer-predisposing syndrome. Last evaluated: 2019-02-04. Review status: criteria provided, single submitter. Criteria: ACMG Guidelines, 2015. Collection method: clinical testing. Allele origin: germline.

Ambry Genetics
Classification: Likely benign for Hereditary cancer-predisposing syndrome. Last evaluated: 2016-05-24. Review status: criteria provided, single submitter. Criteria: Ambry Variant Classification Scheme 2023. Collection method: clinical testing. Allele origin: germline.